The following is an entry in ClinVar:

NM_000238.4(KCNH2):c.2360T>A (p.Ile787Asn)

Gene: KCNH2 (potassium voltage-gated channel subfamily H member 2; minus strand). Cytogenetic location: 7q36.1.
Variant type: single nucleotide variant.
Coding change: c.2360T>A on transcript NM_000238.4 (MANE Select); coding-DNA position 2360, T replaced by A.
Protein change: p.Ile787Asn; replaces isoleucine 787 with asparagine.
Molecular consequence: missense variant.
Genome position (GRCh38, 1-based): chr7:150,950,206, A>T on the plus strand (T>A on the coding strand, the complement: KCNH2 is on the minus strand). VCF-style: chr7-150950206-A-T. GRCh37 (hg19) VCF-style: chr7-150647294-A-T.
Other names: p.I787N:ATC>AAC; c.1340T>A, p.Ile447Asn (NM_001204798.2, NM_172057.3); c.2072T>A, p.Ile691Asn (NM_001406753.1, NM_001406756.1); c.2183T>A, p.Ile728Asn (NM_001406755.1); c.2060T>A, p.Ile687Asn (NM_001406757.1); c.2360T>A, p.Ile787Asn (NM_172056.3); short protein forms I447N, I787N, I728N, I687N, I691N.
Identifiers: ClinVar variation 200428 (VCV000200428.10), dbSNP rs794728387, ClinGen allele CA006494.
Genomic context (GRCh38, chr7:150,950,206, plus strand): 5'-GTGCCCGCCCCCCACCCCATACCCAGGATGGCCACGACGACGTCGCCCCGCAGGATCTCG[A>T]TGGAGCCCCGGGAGATGAAGTACAGGGCGGTGAGCAGGTCCCCAGCATGCACCAGTGTGT-3'
Protein context (NP_000229.1, residues 777-797): TALYFISRGS[Ile787Asn]EILRGDVVVA

ClinVar aggregate classification (germline): Conflicting classifications of pathogenicity. Review status: criteria provided, conflicting classifications (1 of 4 stars). 2 submissions from 2 submitters: Likely pathogenic (1); Uncertain significance (1). Last evaluated 2022-07-31.

Conditions:
Long QT syndrome (LQTS). Identifiers: MedGen C0023976, MeSH D008133, MONDO:0002442. Disease mechanism: loss of function. Inheritance: Various modes of inheritance.

Submissions (2):

Labcorp Genetics (formerly Invitae), Labcorp
Classification: Uncertain significance for Long QT syndrome. Last evaluated: 2022-07-31. Review status: criteria provided, single submitter. Criteria: Invitae Variant Classification Sherloc (09022015). Collection method: clinical testing. Allele origin: germline.
Comment: This sequence change replaces isoleucine, which is neutral and non-polar, with asparagine, which is neutral and polar, at codon 787 of the KCNH2 protein (p.Ile787Asn). This variant is not present in population databases (gnomAD no frequency). This missense change has been observed in individual(s) with clinical features of long QT syndrome (Invitae). ClinVar contains an entry for this variant (Variation ID: 200428). Algorithms developed to predict the effect of missense changes on protein structure and function are either unavailable or do not agree on the potential impact of this missense change (SIFT: "Deleterious"; PolyPhen-2: "Probably Damaging"; Align-GVGD: "Class C0"). In summary, the available evidence is currently insufficient to determine the role of this variant in disease. Therefore, it has been classified as a Variant of Uncertain Significance.

GeneDx
Classification: Likely pathogenic. Last evaluated: 2013-04-19. Review status: criteria provided, single submitter. Criteria: GeneDx Variant Classification (06012015). Collection method: clinical testing. Allele origin: germline. Affected: yes.
Comment: The Ile787Asn variant in the KCNH2 gene has not been reported as a disease-causing mutation or as a benign polymorphism to our knowledge. Ile787Asn results in a semi-conservative amino acid substitution of a non-polar Isoleucine with a polar Asparagine at a position that is well conserved across species. Consequently, in silico analysis predicts Ile787Asn is damaging to the protein structure/function. Mutations in nearby residues (Arg784Trp, Gly785Ala, Glu788Asp, Arg791Trp) have been reported in association with LQTS, further supporting the functional importance of this region of the protein. Furthermore, the Ile787Asn variant was not observed in approximately 6,500 individuals of European and African American ancestry in the NHLBI Exome Sequencing Project, indicating it is not a common benign variant in these populations.In summary, Ile787Asn in the KCNH2 gene is a good candidate for a disease-causing mutation. The variant is found in LQT panel(s).